The following is an entry in ClinVar:

ClinVar aggregate classification (germline): Uncertain significance (1 of 4 stars; one submission).

Conditions:
BAZ2B-related disorder. Also called: BAZ2B-related condition.

gnomAD v4.1: 1 of 1,605,262 alleles (0.000062%); highest among the groups gnomAD compares: African/African-American, 0.0013%; no homozygotes.

Submission:

PreventionGenetics, part of Exact Sciences
Classification: Uncertain significance for BAZ2B-related condition. Last evaluated: 2025-11-25. Review status: criteria provided, single submitter. Criteria: ACMG Guidelines, 2015. Collection method: clinical testing. Allele origin: germline.
Comment: The BAZ2B c.323C>A variant is predicted to result in the amino acid substitution p.Ala108Glu. To our knowledge, this variant has not been reported in the literature or in a large population database (gnomAD), indicating this variant is rare. At this time, the clinical significance of this variant is uncertain due to the absence of conclusive functional and genetic evidence.

NM_013450.4(BAZ2B):c.323C>A (p.Ala108Glu)

Gene: BAZ2B (bromodomain adjacent to zinc finger domain 2B; minus strand). Cytogenetic location: 2q24.2.
Variant type: single nucleotide variant.
Coding change: c.323C>A on transcript NM_013450.4 (MANE Select); coding-DNA position 323, C replaced by A.
Protein change: p.Ala108Glu; replaces alanine 108 with glutamic acid.
Molecular consequence: missense variant. On other transcripts: intron variant (1).
Genome position (GRCh38, 1-based): chr2:159,453,624, G>T on the plus strand (C>A on the coding strand, the complement: BAZ2B is on the minus strand). VCF-style: chr2-159453624-G-T. GRCh37 (hg19) VCF-style: chr2-160310135-G-T.
Other names: c.323C>A, p.Ala108Glu (NM_001289975.1, NM_001329858.2); c.146-5215C>A (NM_001329857.2); short protein forms A108E.
Identifiers: ClinVar variation 4992437 (VCV004992437.1).
Genomic context (GRCh38, chr2:159,453,624, plus strand): 5'-TCTCAAGCTTTCCTCCTTCCCTTGAACACTGTTTGTAACAGATGTTTACCTGGAAAAGAT[G>T]CTAGTTGGGGATGTGCGGCTAAGGCTGTGGGTGTACCAAGTGTCCCCAAACCACCAAATT-3'
Protein context (NP_038478.2, residues 98-118): PTALAAHPQL[Ala108Glu]SFPGAEWWRT